The following is an entry in ClinVar:

ClinVar aggregate classification (germline): Uncertain significance (1 of 4 stars; one submission).

Submission:

Labcorp Genetics (formerly Invitae), Labcorp
Classification: Uncertain significance. Last evaluated: 2022-07-19. Review status: criteria provided, single submitter. Criteria: Invitae Variant Classification Sherloc (09022015). Collection method: clinical testing. Allele origin: germline.
Comment: This variant is not present in population databases (gnomAD no frequency). This sequence change replaces threonine, which is neutral and polar, with serine, which is neutral and polar, at codon 168 of the GALNT3 protein (p.Thr168Ser). This variant has not been reported in the literature in individuals affected with GALNT3-related conditions. In summary, the available evidence is currently insufficient to determine the role of this variant in disease. Therefore, it has been classified as a Variant of Uncertain Significance. Algorithms developed to predict the effect of missense changes on protein structure and function are either unavailable or do not agree on the potential impact of this missense change (SIFT: "Tolerated"; PolyPhen-2: "Probably Damaging"; Align-GVGD: "Class C0"). ClinVar contains an entry for this variant (Variation ID: 1464029).

NM_004482.4(GALNT3):c.502A>T (p.Thr168Ser)

Gene: GALNT3 (polypeptide N-acetylgalactosaminyltransferase 3; minus strand). Cytogenetic location: 2q24.3.
Variant type: single nucleotide variant.
Coding change: c.502A>T on transcript NM_004482.4 (MANE Select); coding-DNA position 502, A replaced by T.
Protein change: p.Thr168Ser; replaces threonine 168 with serine.
Molecular consequence: missense variant.
Genome position (GRCh38, 1-based): chr2:165,770,199, T>A on the plus strand (A>T on the coding strand, the complement: GALNT3 is on the minus strand). VCF-style: chr2-165770199-T-A. GRCh37 (hg19) VCF-style: chr2-166626709-T-A.
Other names: short protein forms T168S.
Identifiers: ClinVar variation 1464029 (VCV001464029.6), dbSNP rs764092487, ClinGen allele CA349043360.